The following is an entry in ClinVar:

ClinVar aggregate classification (germline): Uncertain significance (1 of 4 stars; one submission).

Conditions:
Charcot-Marie-Tooth disease type 4. Also called: Charcot-Marie-Tooth disease, type IV; Charcot-Marie-Tooth, Type 4. Identifiers: Orphanet 64749, MedGen C4082197, MONDO:0018995.

Allele frequency attached by ClinVar (database versions not stated): gnomAD exomes below 0.00001.
gnomAD v4.1: 1 of 1,614,070 alleles (0.000062%); highest among the groups gnomAD compares: Non-Finnish European, 0.000085%; no homozygotes.

Submission:

Labcorp Genetics (formerly Invitae), Labcorp
Classification: Uncertain significance for Charcot-Marie-Tooth disease type 4. Last evaluated: 2023-08-04. Review status: criteria provided, single submitter. Criteria: Invitae Variant Classification Sherloc (09022015). Collection method: clinical testing. Allele origin: germline.
Comment: This sequence change replaces glutamic acid, which is acidic and polar, with glycine, which is neutral and non-polar, at codon 397 of the SH3TC2 protein (p.Glu397Gly). This variant is not present in population databases (gnomAD no frequency). This variant has not been reported in the literature in individuals affected with SH3TC2-related conditions. ClinVar contains an entry for this variant (Variation ID: 2189005). Advanced modeling of protein sequence and biophysical properties (such as structural, functional, and spatial information, amino acid conservation, physicochemical variation, residue mobility, and thermodynamic stability) performed at Invitae indicates that this missense variant is not expected to disrupt SH3TC2 protein function. In summary, the available evidence is currently insufficient to determine the role of this variant in disease. Therefore, it has been classified as a Variant of Uncertain Significance.

NM_024577.4(SH3TC2):c.1190A>G (p.Glu397Gly)

Gene: SH3TC2 (SH3 domain and tetratricopeptide repeats 2; minus strand). Cytogenetic location: 5q32.
Variant type: single nucleotide variant.
Coding change: c.1190A>G on transcript NM_024577.4 (MANE Select); coding-DNA position 1190, A replaced by G.
Protein change: p.Glu397Gly; replaces glutamic acid 397 with glycine.
Molecular consequence: missense variant.
Genome position (GRCh38, 1-based): chr5:149,028,542, T>C on the plus strand (A>G on the coding strand, the complement: SH3TC2 is on the minus strand). VCF-style: chr5-149028542-T-C. GRCh37 (hg19) VCF-style: chr5-148408105-T-C.
Other names: short protein forms E397G.
Identifiers: ClinVar variation 2189005 (VCV002189005.4), dbSNP rs2531774773, ClinGen allele CA361669589.